The following is an entry in ClinVar:

NM_198576.4(AGRN):c.3790G>T (p.Ala1264Ser)

Gene: AGRN (agrin; plus strand). Cytogenetic location: 1p36.33.
Variant type: single nucleotide variant.
Coding change: c.3790G>T on transcript NM_198576.4 (MANE Select); coding-DNA position 3790, G replaced by T.
Protein change: p.Ala1264Ser; replaces alanine 1264 with serine.
Molecular consequence: missense variant.
Genome position (GRCh38, 1-based): chr1:1,048,050, G>T. VCF-style: chr1-1048050-G-T. GRCh37 (hg19) VCF-style: chr1-983430-G-T.
Other names: c.3790G>T, p.Ala1264Ser (NM_001305275.2); c.3475G>T, p.Ala1159Ser (NM_001364727.2); c.3790G>T (NM_198576.3); short protein forms A1159S, A1264S.
Identifiers: ClinVar variation 1970003 (VCV001970003.6), dbSNP rs973444656, ClinGen allele CA337852315.
Genomic context (GRCh38, chr1:1,048,050, plus strand): 5'-TAACAGCTCCCTGTGCCGGCAGACTGGTTTCCTGCGTTTATCACGGGGGCCACGTCAGGA[G>T]CCATTGCTGCGGGAGCCACGGCCAGAGCCACCACTGCATCGCGCCTGCCGTCCTCTGCTG-3'
Protein context (NP_940978.2, residues 1254-1274): PAFITGATSG[Ala1264Ser]IAAGATARAT

ClinVar aggregate classification (germline): Uncertain significance. Review status: criteria provided, multiple submitters, no conflicts (2 of 4 stars). 2 submissions from 2 submitters: Uncertain significance (2). Last evaluated 2025-06-03.

Conditions:
Congenital myasthenic syndrome 8. Also called: Myasthenic syndrome, congenital, 8, with pre- and postsynaptic defects; MYASTHENIC SYNDROME, CONGENITAL, DUE TO AGRIN DEFICIENCY. Identifiers: Orphanet 590, MedGen C3808739, MONDO:0014052, OMIM 615120.
Inborn genetic diseases. Identifiers: MedGen C0950123, MeSH D030342.

gnomAD v4.1: 13 of 1,585,934 alleles (0.00082%); highest among the groups gnomAD compares: South Asian, 0.0045%; no homozygotes.

Submissions (2):

Ambry Genetics
Classification: Uncertain significance for Inborn genetic diseases. Last evaluated: 2025-06-03. Review status: criteria provided, single submitter. Criteria: Ambry Variant Classification Scheme 2023. Collection method: clinical testing. Allele origin: germline.

Labcorp Genetics (formerly Invitae), Labcorp
Classification: Uncertain significance for Congenital myasthenic syndrome 8. Last evaluated: 2024-04-25. Review status: criteria provided, single submitter. Criteria: Invitae Variant Classification Sherloc (09022015). Collection method: clinical testing. Allele origin: germline.
Comment: This sequence change replaces alanine, which is neutral and non-polar, with serine, which is neutral and polar, at codon 1264 of the AGRN protein (p.Ala1264Ser). The frequency data for this variant in the population databases is considered unreliable, as metrics indicate poor data quality at this position in the gnomAD database. This variant has not been reported in the literature in individuals affected with AGRN-related conditions. ClinVar contains an entry for this variant (Variation ID: 1970003). An algorithm developed to predict the effect of missense changes on protein structure and function (PolyPhen-2) suggests that this variant is likely to be tolerated. In summary, the available evidence is currently insufficient to determine the role of this variant in disease. Therefore, it has been classified as a Variant of Uncertain Significance.